The following is an entry in ClinVar:

ClinVar aggregate classification (germline): Uncertain significance (1 of 4 stars; one submission).

Submission:

GeneDx
Classification: Uncertain significance. Last evaluated: 2024-10-22. Review status: criteria provided, single submitter. Criteria: GeneDx Variant Classification Process June 2021. Collection method: clinical testing. Allele origin: germline. Affected: yes.
Comment: Not observed at significant frequency in large population cohorts (gnomAD); Missense variants in this gene are a common cause of disease and they are underrepresented in the general population; In silico analysis supports that this missense variant has a deleterious effect on protein structure/function; Has not been previously published as pathogenic or benign to our knowledge; This variant is associated with the following publications: (PMID: 27023907)

NM_022041.4(GAN):c.1440G>C (p.Glu480Asp)

Gene: GAN (gigaxonin; plus strand). Cytogenetic location: 16q23.2.
Variant type: single nucleotide variant.
Coding change: c.1440G>C on transcript NM_022041.4 (MANE Select); coding-DNA position 1440, G replaced by C.
Protein change: p.Glu480Asp; replaces glutamic acid 480 with aspartic acid.
Molecular consequence: missense variant.
Genome position (GRCh38, 1-based): chr16:81,365,416, G>C. VCF-style: chr16-81365416-G-C. GRCh37 (hg19) VCF-style: chr16-81399021-G-C.
Other names: c.801G>C, p.Glu267Asp (NM_001377486.1); short protein forms E267D, E480D.
Identifiers: ClinVar variation 3893488 (VCV003893488.1).